The following is an entry in ClinVar:

NM_000553.6(WRN):c.3406A>G (p.Lys1136Glu)

Gene: WRN (WRN RecQ like helicase; plus strand). Cytogenetic location: 8p12.
Variant type: single nucleotide variant.
Coding change: c.3406A>G on transcript NM_000553.6 (MANE Select); coding-DNA position 3406, A replaced by G.
Protein change: p.Lys1136Glu; replaces lysine 1136 with glutamic acid.
Molecular consequence: missense variant.
Genome position (GRCh38, 1-based): chr8:31,147,075, A>G. VCF-style: chr8-31147075-A-G. GRCh37 (hg19) VCF-style: chr8-31004591-A-G.
Other names: short protein forms K1136E.
Identifiers: ClinVar variation 572948 (VCV000572948.1), dbSNP rs1563380061, ClinGen allele CA370925263.
Genomic context (GRCh38, chr8:31,147,075, plus strand): 5'-AAAAGCTTTTATTATTTATTTTCTTTTAAATATTTTAGTATCATGGTACAGTCACCAGAA[A>G]AAGCTTACAGTTCCTCACAGCCTGTTATTTCGGCACAAGAGCAGGAGACTCAGGTAAGGC-3'
Protein context (NP_000544.2, residues 1126-1146): KKSIMVQSPE[Lys1136Glu]AYSSSQPVIS

ClinVar aggregate classification (germline): Uncertain significance (1 of 4 stars; one submission).

Conditions:
Werner syndrome (WRN). Identifiers: Orphanet 902, MedGen C0043119, MONDO:0010196, OMIM 277700.

Submission:

Labcorp Genetics (formerly Invitae), Labcorp
Classification: Uncertain significance for Werner syndrome. Last evaluated: 2018-06-05. Review status: criteria provided, single submitter. Criteria: Invitae Variant Classification Sherloc (09022015). Collection method: clinical testing. Allele origin: germline.
Comment: This sequence change replaces lysine with glutamic acid at codon 1136 of the WRN protein (p.Lys1136Glu). The lysine residue is moderately conserved and there is a small physicochemical difference between lysine and glutamic acid. This variant is not present in population databases (ExAC no frequency). This variant has not been reported in the literature in individuals with WRN-related disease. Algorithms developed to predict the effect of missense changes on protein structure and function (SIFT, PolyPhen-2, Align-GVGD) all suggest that this variant is likely to be tolerated, but these predictions have not been confirmed by published functional studies and their clinical significance is uncertain. In summary, the available evidence is currently insufficient to determine the role of this variant in disease. Therefore, it has been classified as a Variant of Uncertain Significance.